The following is an entry in ClinVar:

NM_000176.3(NR3C1):c.256A>G (p.Met86Val)

Genes: NR3C1 (nuclear receptor subfamily 3 group C member 1; minus strand), LOC129994918 (ATAC-STARR-seq lymphoblastoid active region 23342; plus strand). Cytogenetic location: 5q31.3.
Variant type: single nucleotide variant.
Coding change: c.256A>G on transcript NM_000176.3 (MANE Select); coding-DNA position 256, A replaced by G.
Protein change: p.Met86Val; replaces methionine 86 with valine.
Molecular consequence: missense variant. On other transcripts: initiator codon variant (1), 5 prime UTR variant (5).
Genome position (GRCh38, 1-based): chr5:143,400,584, T>C on the plus strand (A>G on the coding strand, the complement: NR3C1 is on the minus strand). VCF-style: chr5-143400584-T-C. GRCh37 (hg19) VCF-style: chr5-142780149-T-C.
Other names: c.256A>G, p.Met86Val (NM_001018074.1, NM_001018075.1, NM_001018076.2 and 10 more transcripts); c.178A>G, p.Met60Val (NM_001204258.2); c.1A>G, p.Met1Val (NM_001204259.2); c.-12A>G (NM_001204260.2); c.-36A>G (NM_001204261.2); c.-690A>G (NM_001204262.2); c.-735A>G (NM_001204263.2); c.-750A>G (NM_001204264.2); short protein forms M60V, M86V, M1V.
Identifiers: ClinVar variation 2719832 (VCV002719832.3), dbSNP rs772735144, ClinGen allele CA3487105.

ClinVar aggregate classification (germline): Uncertain significance (1 of 4 stars; one submission).

Allele frequency attached by ClinVar (database versions not stated): gnomAD 0.00001; TOPMed 0.00003; gnomAD exomes 0.00005; ExAC 0.00007.
gnomAD v4.1: 72 of 1,614,114 alleles (0.0045%); highest among the groups gnomAD compares: Admixed American, 0.022%; no homozygotes.

Submission:

Labcorp Genetics (formerly Invitae), Labcorp
Classification: Uncertain significance. Last evaluated: 2024-02-14. Review status: criteria provided, single submitter. Criteria: Invitae Variant Classification Sherloc (09022015). Collection method: clinical testing. Allele origin: germline.
Comment: This sequence change replaces methionine, which is neutral and non-polar, with valine, which is neutral and non-polar, at codon 86 of the NR3C1 protein (p.Met86Val). This variant is present in population databases (rs772735144, gnomAD 0.03%). This variant has not been reported in the literature in individuals affected with NR3C1-related conditions. An algorithm developed to predict the effect of missense changes on protein structure and function (PolyPhen-2) suggests that this variant is likely to be disruptive. Experimental studies have shown that this missense change does not substantially affect NR3C1 function (PMID: 31008420). In summary, the available evidence is currently insufficient to determine the role of this variant in disease. Therefore, it has been classified as a Variant of Uncertain Significance.

Literature cited by the submitters: PubMed 31008420.